The following is an entry in ClinVar:

ClinVar aggregate classification (germline): Uncertain significance. Review status: criteria provided, multiple submitters, no conflicts (2 of 4 stars). 3 submissions from 3 submitters: Uncertain significance (3). Last evaluated 2024-05-01.

Conditions:
Inborn genetic diseases. Identifiers: MedGen C0950123, MeSH D030342.

Allele frequency attached by ClinVar (database versions not stated): gnomAD 0.00003; TOPMed 0.00003.

Submissions (3):

Labcorp Genetics (formerly Invitae), Labcorp
Classification: Uncertain significance. Last evaluated: 2024-05-01. Review status: criteria provided, single submitter. Criteria: Invitae Variant Classification Sherloc (09022015). Collection method: clinical testing. Allele origin: germline.
Comment: This sequence change replaces proline, which is neutral and non-polar, with serine, which is neutral and polar, at codon 141 of the GFER protein (p.Pro141Ser). This variant is present in population databases (rs763545328, gnomAD 0.1%). This variant has not been reported in the literature in individuals affected with GFER-related conditions. ClinVar contains an entry for this variant (Variation ID: 807350). An algorithm developed to predict the effect of missense changes on protein structure and function (PolyPhen-2) suggests that this variant is likely to be disruptive. In summary, the available evidence is currently insufficient to determine the role of this variant in disease. Therefore, it has been classified as a Variant of Uncertain Significance.

Ambry Genetics
Classification: Uncertain significance for Inborn genetic diseases. Last evaluated: 2021-08-16. Review status: criteria provided, single submitter. Criteria: Ambry Variant Classification Scheme 2023. Collection method: clinical testing. Allele origin: germline.

CeGaT Center for Human Genetics Tuebingen
Classification: Uncertain significance. Last evaluated: 2018-03-01. Review status: criteria provided, single submitter. Criteria: CeGaT Center For Human Genetics Tuebingen Variant Classification Criteria Version 2. Collection method: clinical testing. Allele origin: germline. Affected: yes. Observed: 1 variant allele.

NM_005262.3(GFER):c.421C>T (p.Pro141Ser)

Gene: GFER (growth factor, augmenter of liver regeneration; plus strand). Cytogenetic location: 16p13.3.
Variant type: single nucleotide variant.
Coding change: c.421C>T on transcript NM_005262.3 (MANE Select); coding-DNA position 421, C replaced by T.
Protein change: p.Pro141Ser; replaces proline 141 with serine.
Molecular consequence: missense variant.
Genome position (GRCh38, 1-based): chr16:1,984,909, C>T. VCF-style: chr16-1984909-C-T. GRCh37 (hg19) VCF-style: chr16-2034910-C-T.
Other names: c.421C>T (NM_005262.2); short protein forms P141S.
Identifiers: ClinVar variation 807350 (VCV000807350.45), dbSNP rs763545328, ClinGen allele CA7826030.